The following is an entry in ClinVar:

NM_000370.3(TTPA):c.726del (p.Leu243fs)

Gene: TTPA (alpha tocopherol transfer protein; minus strand). Cytogenetic location: 8q12.3.
Variant type: Deletion.
Coding change: c.726del on transcript NM_000370.3 (MANE Select); coding-DNA position 726, one base deleted (T; older notation c.726delT).
Protein change: p.Leu243fs; shifts the reading frame from leucine 243.
Molecular consequence: frameshift variant.
Genome position (GRCh38, 1-based): chr8:63,061,363, A deleted on the plus strand (T on the coding strand, the reverse complement: TTPA is on the minus strand). VCF-style (leftmost placement, unchanged base first): chr8-63061362-GA-G. GRCh37 (hg19) VCF-style: chr8-63973921-GA-G.
Other names: short protein forms L243fs.
Identifiers: ClinVar variation 863591 (VCV000863591.10), dbSNP rs1805303504, ClinGen allele CA916082997.
Genomic context (GRCh38, chr8:63,061,362, plus strand): 5'-TAAAATTTGTCCATTCCTGACAAATGTCCTCCATGGAGAATTCTTCACCACCATATTCCA[GA>G]GGAAGAATGTCTGGGAAATGCTGAAGCAAGCTTTGTTTGTAGTTGTTCCCATGCATGTGA-3'

ClinVar aggregate classification (germline): Pathogenic (1 of 4 stars; one submission).

Submission:

Labcorp Genetics (formerly Invitae), Labcorp
Classification: Pathogenic. Last evaluated: 2019-11-28. Review status: criteria provided, single submitter. Criteria: Invitae Variant Classification Sherloc (09022015). Collection method: clinical testing. Allele origin: germline.
Comment: For these reasons, this variant has been classified as Pathogenic. This variant disrupts the C-terminus of the TTPA protein. Other variant(s) that disrupt this region (p.Glu249Asnfs*15) have been determined to be pathogenic (PMID: 26068213). This suggests that variants that disrupt this region of the protein are likely to be causative of disease. This variant has not been reported in the literature in individuals with TTPA-related conditions. This variant is not present in population databases (ExAC no frequency). This sequence change results in a premature translational stop signal in the TTPA gene (p.Leu243Trpfs*21). While this is not anticipated to result in nonsense mediated decay, it is expected to disrupt the last 36 amino acids of the TTPA protein.

Literature cited by the submitters: PubMed 26068213.